The following is an entry in ClinVar:

NM_020549.5(CHAT):c.866C>T (p.Thr289Met)

Gene: CHAT (choline O-acetyltransferase; plus strand). Cytogenetic location: 10q11.23.
Variant type: single nucleotide variant.
Coding change: c.866C>T on transcript NM_020549.5 (MANE Select); coding-DNA position 866, C replaced by T.
Protein change: p.Thr289Met; replaces threonine 289 with methionine.
Molecular consequence: missense variant.
Genome position (GRCh38, 1-based): chr10:49,625,586, C>T. VCF-style: chr10-49625586-C-T. GRCh37 (hg19) VCF-style: chr10-50833632-C-T.
Other names: c.866C>T (NM_020549.4); c.512C>T, p.Thr171Met (NM_001142929.2, NM_001142934.2, NM_020984.4 and 2 more transcripts); c.620C>T, p.Thr207Met (NM_001142933.2); short protein forms T207M, T171M, T289M.
Identifiers: ClinVar variation 1395917 (VCV001395917.5), dbSNP rs139352363, ClinGen allele CA5497286.

ClinVar aggregate classification (germline): Uncertain significance. Review status: criteria provided, multiple submitters, no conflicts (2 of 4 stars). 2 submissions from 2 submitters: Uncertain significance (2). Last evaluated 2022-07-08.

Conditions:
Inborn genetic diseases. Identifiers: MedGen C0950123, MeSH D030342.
Familial infantile myasthenia (CMS6). Also called: MYASTHENIC SYNDROME, CONGENITAL, 6, PRESYNAPTIC; Congenital myasthenic syndrome type 6; MYASTHENIC SYNDROME, PRESYNAPTIC, CONGENITAL, ASSOCIATED WITH EPISODIC APNEA. Identifiers: Orphanet 590, MedGen C0393929, MONDO:0009689, OMIM 254210.

Allele frequency attached by ClinVar (database versions not stated): gnomAD exomes 0.00004 and 0.00010; ESP Exome Variant Server 0.00008; ExAC 0.00009; gnomAD 0.00010 and 0.00011; TOPMed 0.00016.
gnomAD v4.1: 68 of 1,609,040 alleles (0.0042%); highest among the groups gnomAD compares: African/African-American, 0.028%; no homozygotes.

Submissions (2):

Labcorp Genetics (formerly Invitae), Labcorp
Classification: Uncertain significance for Familial infantile myasthenia. Last evaluated: 2022-07-08. Review status: criteria provided, single submitter. Criteria: Invitae Variant Classification Sherloc (09022015). Collection method: clinical testing. Allele origin: germline.
Comment: This sequence change replaces threonine, which is neutral and polar, with methionine, which is neutral and non-polar, at codon 289 of the CHAT protein (p.Thr289Met). This variant is present in population databases (rs139352363, gnomAD 0.03%). This variant has not been reported in the literature in individuals affected with CHAT-related conditions. ClinVar contains an entry for this variant (Variation ID: 1395917). Advanced modeling of protein sequence and biophysical properties (such as structural, functional, and spatial information, amino acid conservation, physicochemical variation, residue mobility, and thermodynamic stability) performed at Invitae indicates that this missense variant is not expected to disrupt CHAT protein function. In summary, the available evidence is currently insufficient to determine the role of this variant in disease. Therefore, it has been classified as a Variant of Uncertain Significance.

Ambry Genetics
Classification: Uncertain significance for Inborn genetic diseases. Last evaluated: 2021-09-17. Review status: criteria provided, single submitter. Criteria: Ambry Variant Classification Scheme 2023. Collection method: clinical testing. Allele origin: germline.